The following is an entry in ClinVar:

NM_170606.3(KMT2C):c.14560A>G (p.Asn4854Asp)

Gene: KMT2C (lysine methyltransferase 2C; minus strand). Cytogenetic location: 7q36.1.
Variant type: single nucleotide variant.
Coding change: c.14560A>G on transcript NM_170606.3 (MANE Select); coding-DNA position 14560, A replaced by G.
Protein change: p.Asn4854Asp; replaces asparagine 4854 with aspartic acid.
Molecular consequence: missense variant.
Genome position (GRCh38, 1-based): chr7:152,138,879, T>C on the plus strand (A>G on the coding strand, the complement: KMT2C is on the minus strand). VCF-style: chr7-152138879-T-C. GRCh37 (hg19) VCF-style: chr7-151835964-T-C.
Other names: short protein forms N4854D.
Identifiers: ClinVar variation 1310711 (VCV001310711.2), dbSNP rs2129089262, ClinGen allele CA370084946.

ClinVar aggregate classification (germline): Uncertain significance (1 of 4 stars; one submission).

Submission:

GeneDx
Classification: Uncertain significance. Last evaluated: 2019-12-06. Review status: criteria provided, single submitter. Criteria: GeneDx Variant Classification Process June 2021. Collection method: clinical testing. Allele origin: germline. Affected: yes.
Comment: Not observed in large population cohorts (Lek et al., 2016); In silico analysis, which includes protein predictors and evolutionary conservation, supports a deleterious effect; Has not been previously published as pathogenic or benign to our knowledge